The following is an entry in ClinVar:

ClinVar aggregate classification (germline): Uncertain significance (1 of 4 stars; one submission).

Allele frequency attached by ClinVar (database versions not stated): ExAC 0.00004; gnomAD 0.00005; ESP Exome Variant Server 0.00015.
gnomAD v4.1: 26 of 1,614,146 alleles (0.0016%); highest among the groups gnomAD compares: Admixed American, 0.017%; no homozygotes.

Submission:

Labcorp Genetics (formerly Invitae), Labcorp
Classification: Uncertain significance. Last evaluated: 2022-06-29. Review status: criteria provided, single submitter. Criteria: Invitae Variant Classification Sherloc (09022015). Collection method: clinical testing. Allele origin: germline.
Comment: This sequence change replaces alanine, which is neutral and non-polar, with threonine, which is neutral and polar, at codon 450 of the SLC30A10 protein (p.Ala450Thr). This variant is present in population databases (rs368970531, gnomAD 0.03%). This variant has not been reported in the literature in individuals affected with SLC30A10-related conditions. Algorithms developed to predict the effect of missense changes on protein structure and function output the following: SIFT: "Tolerated"; PolyPhen-2: "Benign"; Align-GVGD: "Class C0". The threonine amino acid residue is found in multiple mammalian species, which suggests that this missense change does not adversely affect protein function. In summary, the available evidence is currently insufficient to determine the role of this variant in disease. Therefore, it has been classified as a Variant of Uncertain Significance.

NM_018713.3(SLC30A10):c.1348G>A (p.Ala450Thr)

Gene: SLC30A10 (solute carrier family 30 member 10; minus strand). Cytogenetic location: 1q41.
Variant type: single nucleotide variant.
Coding change: c.1348G>A on transcript NM_018713.3 (MANE Select); coding-DNA position 1348, G replaced by A.
Protein change: p.Ala450Thr; replaces alanine 450 with threonine.
Molecular consequence: missense variant. On other transcripts: non-coding transcript variant (2).
Genome position (GRCh38, 1-based): chr1:219,915,559, C>T on the plus strand (G>A on the coding strand, the complement: SLC30A10 is on the minus strand). VCF-style: chr1-219915559-C-T. GRCh37 (hg19) VCF-style: chr1-220088901-C-T.
Other names: c.1159G>A, p.Ala387Thr (NM_001376929.1); short protein forms A387T, A450T.
Identifiers: ClinVar variation 1502609 (VCV001502609.5), dbSNP rs368970531, ClinGen allele CA1399125.